The following is an entry in ClinVar:

ClinVar aggregate classification (germline): Uncertain significance. Review status: criteria provided, single submitter (1 of 4 stars). 2 submissions from 2 submitters: Uncertain significance (1). 1 of the submissions does not count toward it. Last evaluated 2024-11-19.

Conditions:
MHC class II deficiency. Also called: Bare lymphocyte syndrome 2; BLS, TYPE II. Identifiers: Orphanet 572, MedGen C5447452, MONDO:0008855.

Submissions (2):

Labcorp Genetics (formerly Invitae), Labcorp
Classification: Uncertain significance for MHC class II deficiency. Last evaluated: 2024-11-19. Review status: criteria provided, single submitter. Criteria: Invitae Variant Classification Sherloc (09022015). Collection method: clinical testing. Allele origin: germline.
Comment: This sequence change replaces glutamic acid, which is acidic and polar, with lysine, which is basic and polar, at codon 815 of the CIITA protein (p.Glu815Lys). This variant is not present in population databases (gnomAD no frequency). This variant has not been reported in the literature in individuals affected with CIITA-related conditions. An algorithm developed to predict the effect of missense changes on protein structure and function (PolyPhen-2) suggests that this variant is likely to be disruptive. In summary, the available evidence is currently insufficient to determine the role of this variant in disease. Therefore, it has been classified as a Variant of Uncertain Significance.

Natera, Inc.
Classification: Uncertain significance for Bare lymphocyte syndrome type II. Last evaluated: 2025-05-11. Review status: no assertion criteria provided. Collection method: clinical testing. Allele origin: germline. Not counted in ClinVar's aggregate classification.

NM_000246.4(CIITA):c.2443G>A (p.Glu815Lys)

Gene: CIITA (class II major histocompatibility complex transactivator; plus strand). Cytogenetic location: 16p13.13.
Variant type: single nucleotide variant.
Coding change: c.2443G>A on transcript NM_000246.4 (MANE Select); coding-DNA position 2443, G replaced by A.
Protein change: p.Glu815Lys; replaces glutamic acid 815 with lysine.
Molecular consequence: missense variant. On other transcripts: intron variant (1).
Genome position (GRCh38, 1-based): chr16:10,907,935, G>A. VCF-style: chr16-10907935-G-A. GRCh37 (hg19) VCF-style: chr16-11001792-G-A.
Other names: c.2374G>A, p.Glu792Lys (NM_001379334.1); c.860-1048G>A (NM_001286403.2); c.2446G>A, p.Glu816Lys (NM_001286402.1, NM_001379332.1); c.2299G>A, p.Glu767Lys (NM_001379330.1); c.2296G>A, p.Glu766Lys (NM_001379331.1); c.2443G>A, p.Glu815Lys (NM_001379333.1); short protein forms E766K, E767K, E792K, E815K, E816K.
Identifiers: ClinVar variation 3611444 (VCV003611444.3).